The following is an entry in ClinVar:

ClinVar aggregate classification (germline): Conflicting classifications of pathogenicity. Review status: criteria provided, conflicting classifications (1 of 4 stars). 6 submissions from 6 submitters: Uncertain significance (4); Benign (1); Likely benign (1). Last evaluated 2026-01-12.

Conditions:
Retinitis pigmentosa 30 (RP30). Identifiers: Orphanet 791, MedGen C1842816, MONDO:0011935, OMIM 607921.

Allele frequency attached by ClinVar (database versions not stated): 1000 Genomes Project 0.00020; 1000 Genomes Project 30x 0.00047; ExAC 0.00058; TOPMed 0.00080; ESP Exome Variant Server 0.00131.
gnomAD v4.1: 1,766 of 1,528,232 alleles (0.12%); highest among the groups gnomAD compares: Non-Finnish European, 0.15%; 1 homozygote.

Submissions (6):

Labcorp Genetics (formerly Invitae), Labcorp
Classification: Uncertain significance. Last evaluated: 2026-01-12. Review status: criteria provided, single submitter. Criteria: Invitae Variant Classification Sherloc (09022015). Collection method: clinical testing. Allele origin: germline.
Comment: This sequence change replaces valine, which is neutral and non-polar, with isoleucine, which is neutral and non-polar, at codon 277 of the FSCN2 protein (p.Val277Ile). This variant is present in population databases (rs181420326, gnomAD 0.1%), and has an allele count higher than expected for a pathogenic variant. This variant has not been reported in the literature in individuals affected with FSCN2-related conditions. ClinVar contains an entry for this variant (Variation ID: 377132). An algorithm developed to predict the effect of missense changes on protein structure and function outputs the following: PolyPhen-2: "Benign". The isoleucine amino acid residue is found in multiple mammalian species, which suggests that this missense change does not adversely affect protein function. In summary, the available evidence is currently insufficient to determine the role of this variant in disease. Therefore, it has been classified as a Variant of Uncertain Significance.

Blueprint Genetics
Classification: Likely benign. Last evaluated: 2024-10-23. Review status: criteria provided, single submitter. Criteria: ACMG Guidelines, 2015. Collection method: clinical testing. Allele origin: germline.

Ambry Genetics
Classification: Uncertain significance. Last evaluated: 2024-04-12. Review status: criteria provided, single submitter. Criteria: Ambry Variant Classification Scheme 2023. Collection method: clinical testing. Allele origin: germline.

CeGaT Center for Human Genetics Tuebingen
Classification: Benign. Last evaluated: 2022-10-01. Review status: criteria provided, single submitter. Criteria: CeGaT Center For Human Genetics Tuebingen Variant Classification Criteria Version 2. Collection method: clinical testing. Allele origin: germline. Affected: yes. Observed: 1 variant allele.
Comment: FSCN2: BS1, BS2

Fulgent Genetics
Classification: Uncertain significance for Retinitis pigmentosa 30. Last evaluated: 2018-10-31. Review status: criteria provided, single submitter. Criteria: ACMG Guidelines, 2015. Collection method: clinical testing. Allele origin: unknown.

Center for Pediatric Genomic Medicine, Children's Mercy Hospital and Clinics
Classification: Uncertain significance. Last evaluated: 2016-09-22. Review status: criteria provided, single submitter. Criteria: ACMG Guidelines, 2015. Collection method: clinical testing. Allele origin: germline.
ClinVar note: Converted during submission from Uncertain Significance to Uncertain significance.

NM_012418.4(FSCN2):c.829G>A (p.Val277Ile)

Gene: FSCN2 (fascin actin-bundling protein 2, retinal; plus strand). Cytogenetic location: 17q25.3.
Variant type: single nucleotide variant.
Coding change: c.829G>A on transcript NM_012418.4 (MANE Select); coding-DNA position 829, G replaced by A.
Protein change: p.Val277Ile; replaces valine 277 with isoleucine.
Molecular consequence: missense variant.
Genome position (GRCh38, 1-based): chr17:81,535,054, G>A. VCF-style: chr17-81535054-G-A. GRCh37 (hg19) VCF-style: chr17-79502080-G-A.
Other names: c.829G>A, p.Val277Ile (NM_001077182.3); short protein forms V277I.
Identifiers: ClinVar variation 377132 (VCV000377132.38), dbSNP rs181420326, ClinGen allele CA8836893.